The following is an entry in ClinVar:

NM_003482.4(KMT2D):c.2992C>A (p.Pro998Thr)

Gene: KMT2D (lysine methyltransferase 2D; minus strand). Cytogenetic location: 12q13.12.
Variant type: single nucleotide variant.
Coding change: c.2992C>A on transcript NM_003482.4 (MANE Select); coding-DNA position 2992, C replaced by A.
Protein change: p.Pro998Thr; replaces proline 998 with threonine.
Molecular consequence: missense variant.
Genome position (GRCh38, 1-based): chr12:49,050,596, G>T on the plus strand (C>A on the coding strand, the complement: KMT2D is on the minus strand). VCF-style: chr12-49050596-G-T. GRCh37 (hg19) VCF-style: chr12-49444379-G-T.
Other names: short protein forms P998T.
Identifiers: ClinVar variation 94209 (VCV000094209.54), dbSNP rs143711798, ClinGen allele CA160507.
Genomic context (GRCh38, chr12:49,050,596, plus strand): 5'-CCATCAGGATGGGAGAAGCCGGCCCCACTGGGGAGCCTGGAGATGGGGGAAGGATCATAG[G>T]GGGGACAGGCTCAGGGTCAGTGCAGTTAGCTTCTGGTGGAGGGCTGATGGGTGTCTCCAG-3'
Protein context (NP_003473.3, residues 988-1008): ANCTDPEPVP[Pro998Thr]MILPPSPGSP

ClinVar aggregate classification (germline): Conflicting classifications of pathogenicity. Review status: criteria provided, conflicting classifications (1 of 4 stars). 14 submissions from 13 submitters: Uncertain significance (3); Benign (1); Likely benign (6). 4 of the submissions do not count toward it. Last evaluated 2026-07-01.

Conditions:
Inborn genetic diseases. Identifiers: MedGen C0950123, MeSH D030342.
Kabuki syndrome 1 (KABUK1). Also called: KMT2D-Related Kabuki Syndrome. Identifiers: Orphanet 2322, MedGen CN030661, MONDO:0007843, OMIM 147920.
Choanal atresia-athelia-hypothyroidism-delayed puberty-short stature syndrome (BCAHH). Also called: BRANCHIAL ARCH ABNORMALITIES, CHOANAL ATRESIA, ATHELIA, HEARING LOSS, AND HYPOTHYROIDISM SYNDROME. Identifiers: Orphanet 589856, MedGen C5680310, MONDO:0035651, OMIM 620186.
KMT2D-related disorder. Also called: KMT2D-Related Disorders.
Kabuki syndrome. Also called: NIIKAWA-KUROKI SYNDROME; Kabuki make-up syndrome. Identifiers: Orphanet 2322, MedGen C0796004, MONDO:0016512.

Allele frequency attached by ClinVar (database versions not stated): 1000 Genomes Project 30x 0.00062; ESP Exome Variant Server 0.00073; 1000 Genomes Project 0.00060; TOPMed 0.00076.
gnomAD v4.1: 1,449 of 1,608,162 alleles (0.09%); highest among the groups gnomAD compares: Non-Finnish European, 0.11%; 2 homozygotes.

Submissions (14):

CeGaT Center for Human Genetics Tuebingen
Classification: Likely benign. Last evaluated: 2026-07-01. Review status: criteria provided, single submitter. Criteria: CeGaT Center For Human Genetics Tuebingen Variant Classification Criteria Version 2. Collection method: clinical testing. Allele origin: germline. Affected: yes. Observed: 8 variant alleles.
Comment: KMT2D: BS1

Labcorp Genetics (formerly Invitae), Labcorp
Classification: Likely benign for Kabuki syndrome. Last evaluated: 2026-02-03. Review status: criteria provided, single submitter. Criteria: Invitae Variant Classification Sherloc (09022015). Collection method: clinical testing. Allele origin: germline.

Laboratory of Genetics, Children's Clinical University Hospital Latvia
Classification: Likely benign. Last evaluated: 2025-02-16. Review status: criteria provided, single submitter. Criteria: ACMG Guidelines, 2015. Collection method: clinical testing. Allele origin: germline. Affected: yes.

Blueprint Genetics
Classification: Likely benign. Last evaluated: 2024-09-05. Review status: criteria provided, single submitter. Criteria: ACMG Guidelines, 2015. Collection method: clinical testing. Allele origin: germline.

ARUP Laboratories, Molecular Genetics and Genomics, ARUP Laboratories
Classification: Likely benign. Last evaluated: 2023-08-22. Review status: criteria provided, single submitter. Criteria: ARUP Molecular Germline Variant Investigation Process 2024. Collection method: clinical testing. Allele origin: germline.

Ambry Genetics
Classification: Likely benign for Inborn genetic diseases. Last evaluated: 2021-11-16. Review status: criteria provided, single submitter. Criteria: Ambry Variant Classification Scheme 2023. Collection method: clinical testing. Allele origin: germline.

Center for Genomics, Ann and Robert H. Lurie Children's Hospital of Chicago
Classification: Uncertain significance for Kabuki syndrome 1. Last evaluated: 2020-12-17. Review status: criteria provided, single submitter. Criteria: ACMG Guidelines, 2015. Collection method: clinical testing. Allele origin: germline.
Comment: KMT2D NM_003482.3 exon 11 p.Pro998Thr (c.2992C>A): This variant has not been reported in the literature but is present in 0.08% (103/126744) of European alleles in the Genome Aggregation Database. This variant is present in ClinVar (Variation ID:94209). Evolutionary conservation suggests that this variant may impact the protein; computational predictive tools for this variant are unclear. In summary, data on this variant is insufficient for disease classification. Therefore, the clinical significance of this variant is uncertain.

GeneDx
Classification: Benign. Last evaluated: 2019-12-10. Review status: criteria provided, single submitter. Criteria: GeneDx Variant Classification Process June 2021. Collection method: clinical testing. Allele origin: germline. Affected: yes.

Eurofins Ntd Llc (ga)
Classification: Uncertain significance. Last evaluated: 2016-06-23. Review status: criteria provided, single submitter. Criteria: EGL Classification Definitions 2015. Collection method: clinical testing. Allele origin: germline. Observed: 5 variant alleles, 5 heterozygotes.

Center for Genomics, Ann and Robert H. Lurie Children's Hospital of Chicago
Classification: Uncertain significance for Choanal atresia-athelia-hypothyroidism-delayed puberty-short stature syndrome; Kabuki syndrome 1. Review status: criteria provided, single submitter. Criteria: ACMG Guidelines, 2015. Collection method: clinical testing. Allele origin: germline.
Comment: the same text as in the submission from Center for Genomics, Ann and Robert H. Lurie Children's Hospital of Chicago above.

PreventionGenetics, part of Exact Sciences
Classification: Likely benign for KMT2D-related condition. Last evaluated: 2021-10-06. Review status: no assertion criteria provided. Collection method: clinical testing. Allele origin: germline. Not counted in ClinVar's aggregate classification.
Comment: This variant is classified as likely benign based on ACMG/AMP sequence variant interpretation guidelines (Richards et al. 2015 PMID: 25741868, with internal and published modifications).

ITMI
No classification provided. Condition: AllHighlyPenetrant. Last evaluated: 2013-09-19. Review status: no classification provided. Collection method: reference population. Allele origin: germline. Not counted in ClinVar's aggregate classification.
Comment: Please see associated publication for description of ethnicities

Clinical Genetics DNA and cytogenetics Diagnostics Lab, Erasmus MC, Erasmus Medical Center
Classification: Likely benign. Review status: no assertion criteria provided. Collection method: clinical testing. Allele origin: germline. Affected: yes. Study: VKGL Data-share Consensus. Not counted in ClinVar's aggregate classification.

Diagnostic Laboratory, Department of Genetics, University Medical Center Groningen
Classification: Likely benign. Review status: no assertion criteria provided. Collection method: clinical testing. Allele origin: germline. Affected: yes. Study: VKGL Data-share Consensus. Not counted in ClinVar's aggregate classification.

Literature cited by the submitters: PubMed 24728327 (cited by ITMI).